The following is an entry in ClinVar:

ClinVar aggregate classification (germline): Conflicting classifications of pathogenicity. Review status: criteria provided, conflicting classifications (1 of 4 stars). 3 submissions from 3 submitters: Uncertain significance (2); Likely benign (1). Last evaluated 2024-11-27.

Conditions:
Shprintzen-Goldberg syndrome (SGS). Also called: CRANIOSYNOSTOSIS WITH ARACHNODACTYLY AND ABDOMINAL HERNIAS; Marfanoid disorder with craniosynostosis type 1; Marfanoid craniosynostosis syndrome; Shprintzen-Goldberg marfanoid syndrome; SHPRINTZEN-GOLDBERG CRANIOSYNOSTOSIS SYNDROME. Identifiers: Orphanet 2462, MedGen C1321551, MONDO:0008426, OMIM 182212.

Allele frequency attached by ClinVar (database versions not stated): 1000 Genomes Project 30x 0.00016; ExAC below 0.00001; gnomAD exomes 0.00002; gnomAD 0.00004; 1000 Genomes Project 0.00020; TOPMed 0.00002.
gnomAD v4.1: 31 of 1,612,596 alleles (0.0019%); highest among the groups gnomAD compares: African/African-American, 0.012%; no homozygotes.

Submissions (3):

Labcorp Genetics (formerly Invitae), Labcorp
Classification: Likely benign for Shprintzen-Goldberg syndrome. Last evaluated: 2024-11-27. Review status: criteria provided, single submitter. Criteria: Invitae Variant Classification Sherloc (09022015). Collection method: clinical testing. Allele origin: germline.

GeneDx
Classification: Uncertain significance. Last evaluated: 2022-11-11. Review status: criteria provided, single submitter. Criteria: GeneDx Variant Classification Process June 2021. Collection method: clinical testing. Allele origin: germline. Affected: yes.
Comment: Has not been previously published as pathogenic or benign to our knowledge; In silico analysis supports that this missense variant does not alter protein structure/function

Laboratory for Molecular Medicine, Mass General Brigham Personalized Medicine
Classification: Uncertain significance. Last evaluated: 2015-08-11. Review status: criteria provided, single submitter. Criteria: LMM Criteria. Collection method: clinical testing. Allele origin: germline. Observed: 1 variant allele.
Comment: The p.Val486Ile variant in SKI has not been previously reported in individuals w ith Shprintzen-Goldberg syndrome, but has been identified in 1/216 Yoruba Africa n chromosomes by the 1000 Genomes Project (dbSNP rs200717031). Computational pre diction tools and conservation analysis do not provide strong support for or aga inst an impact to the protein. In summary, the clinical significance of the p.Va l486Ile variant is uncertain.

NM_003036.4(SKI):c.1456G>A (p.Val486Ile)

Gene: SKI (SKI proto-oncogene; plus strand). Cytogenetic location: 1p36.32.
Variant type: single nucleotide variant.
Coding change: c.1456G>A on transcript NM_003036.4 (MANE Select); coding-DNA position 1456, G replaced by A.
Protein change: p.Val486Ile; replaces valine 486 with isoleucine.
Molecular consequence: missense variant.
Genome position (GRCh38, 1-based): chr1:2,304,084, G>A. VCF-style: chr1-2304084-G-A. GRCh37 (hg19) VCF-style: chr1-2235523-G-A.
Other names: short protein forms V486I.
Identifiers: ClinVar variation 229252 (VCV000229252.14), dbSNP rs200717031, ClinGen allele CA536715.